The following is an entry in ClinVar:

NM_133497.4(KCNV2):c.85A>G (p.Ser29Gly)

Gene: KCNV2 (potassium voltage-gated channel modifier subfamily V member 2; plus strand). Cytogenetic location: 9p24.2.
Variant type: single nucleotide variant.
Coding change: c.85A>G on transcript NM_133497.4 (MANE Select); coding-DNA position 85, A replaced by G.
Protein change: p.Ser29Gly; replaces serine 29 with glycine.
Molecular consequence: missense variant.
Genome position (GRCh38, 1-based): chr9:2,717,824, A>G. VCF-style: chr9-2717824-A-G. GRCh37 (hg19) VCF-style: chr9-2717824-A-G.
Other names: c.85A>G (NM_133497.3); short protein forms S29G.
Identifiers: ClinVar variation 1053308 (VCV001053308.12), dbSNP rs145394914, ClinGen allele CA4965307.
Genomic context (GRCh38, chr9:2,717,824, plus strand): 5'-CGGTCCTGGAGCTACAGGCCCTGGAACACGACGGAGAATGAGGGCAGCCAACACCGCAGG[A>G]GCATTTGCTCCCTGGGTGCCCGTTCCGGCTCCCAGGCCAGCATCCACGGCTGGACAGAGG-3'
Protein context (NP_598004.1, residues 19-39): TENEGSQHRR[Ser29Gly]ICSLGARSGS

ClinVar aggregate classification (germline): Conflicting classifications of pathogenicity. Review status: criteria provided, conflicting classifications (1 of 4 stars). 4 submissions from 4 submitters: Uncertain significance (3); Likely benign (1). Last evaluated 2025-12-26.

Conditions:
KCNV2-related disorder. Also called: KCNV2-related condition.
Inborn genetic diseases. Identifiers: MedGen C0950123, MeSH D030342.

Allele frequency attached by ClinVar (database versions not stated): gnomAD exomes 0.00005; ExAC 0.00007; ESP Exome Variant Server 0.00008; 1000 Genomes Project 30x 0.00016; 1000 Genomes Project 0.00020; gnomAD 0.00023 and 0.00026; TOPMed 0.00028.

Submissions (4):

PreventionGenetics, part of Exact Sciences
Classification: Uncertain significance for KCNV2-related condition. Last evaluated: 2025-12-26. Review status: criteria provided, single submitter. Criteria: ACMG Guidelines, 2015. Collection method: clinical testing. Allele origin: germline.
Comment: The KCNV2 c.85A>G variant is predicted to result in the amino acid substitution p.Ser29Gly. To our knowledge, this variant has not been reported in the literature. This variant is reported in 0.084% of alleles in individuals of African descent in gnomAD, which is likely too frequent to be a primary cause of disease. Although we suspect that this variant may be benign, at this time, the clinical significance of this variant is uncertain due to the absence of conclusive functional and genetic evidence.

Labcorp Genetics (formerly Invitae), Labcorp
Classification: Likely benign. Last evaluated: 2025-12-24. Review status: criteria provided, single submitter. Criteria: Invitae Variant Classification Sherloc (09022015). Collection method: clinical testing. Allele origin: germline.

Ambry Genetics
Classification: Uncertain significance for Inborn genetic diseases. Last evaluated: 2023-12-18. Review status: criteria provided, single submitter. Criteria: Ambry Variant Classification Scheme 2023. Collection method: clinical testing. Allele origin: germline.

Blueprint Genetics
Classification: Uncertain significance. Last evaluated: 2023-06-06. Review status: criteria provided, single submitter. Criteria: ACMG Guidelines, 2015. Collection method: clinical testing. Allele origin: germline.